The following is an entry in ClinVar:

ClinVar aggregate classification (germline): Conflicting classifications of pathogenicity. Review status: criteria provided, conflicting classifications (1 of 4 stars). 6 submissions from 6 submitters: Uncertain significance (1); Likely benign (4). 1 of the submissions does not count toward it. Last evaluated 2026-02-01.

Conditions:
DOK7-related disorder. Also called: DOK7-related condition.
Inborn genetic diseases. Identifiers: MedGen C0950123, MeSH D030342.
Fetal akinesia deformation sequence 1 (FADS1). Also called: Fetal akinesia sequence; Pena-Shokeir syndrome type I. Identifiers: Orphanet 994, MedGen C1276035, MONDO:0100101, OMIM 208150, HP:0001989.
Congenital myasthenic syndrome 10. Also called: Myasthenia, limb-girdle, familial. Identifiers: Orphanet 590, MedGen C1850792, MONDO:0009690, OMIM 254300.

Allele frequency attached by ClinVar (database versions not stated): gnomAD exomes 0.00016 and 0.00042; ExAC 0.00047; ESP Exome Variant Server 0.00074; gnomAD 0.00126 and 0.00135; TOPMed 0.00131; 1000 Genomes Project 0.00140; 1000 Genomes Project 30x 0.00141.
gnomAD v4.1: 438 of 1,610,928 alleles (0.027%); highest among the groups gnomAD compares: African/African-American, 0.37%; 3 homozygotes.

Submissions (6):

Labcorp Genetics (formerly Invitae), Labcorp
Classification: Likely benign for Congenital myasthenic syndrome 10; Fetal akinesia deformation sequence 1. Last evaluated: 2026-02-01. Review status: criteria provided, single submitter. Criteria: Invitae Variant Classification Sherloc (09022015). Collection method: clinical testing. Allele origin: germline.

Mayo Clinic Laboratories, Mayo Clinic
Classification: Likely benign. Last evaluated: 2025-08-18. Review status: criteria provided, single submitter. Criteria: ACMG Guidelines, 2015. Collection method: clinical testing. Allele origin: germline. Observed: 1 variant allele.
Comment: BS1, BP4_moderate

Ambry Genetics
Classification: Uncertain significance for Inborn genetic diseases. Last evaluated: 2024-10-24. Review status: criteria provided, single submitter. Criteria: Ambry Variant Classification Scheme 2023. Collection method: clinical testing. Allele origin: germline.

GeneDx
Classification: Likely benign. Last evaluated: 2018-12-20. Review status: criteria provided, single submitter. Criteria: GeneDx Variant Classification Process June 2021. Collection method: clinical testing. Allele origin: germline. Affected: yes.

Breakthrough Genomics
Classification: Likely benign. Review status: criteria provided, single submitter. Criteria: ACMG Guidelines, 2015. Collection method: not provided. Allele origin: germline. Inheritance: Autosomal recessive inheritance. Affected: yes.

PreventionGenetics, part of Exact Sciences
Classification: Likely benign for DOK7-related condition. Last evaluated: 2023-06-16. Review status: no assertion criteria provided. Collection method: clinical testing. Allele origin: germline. Not counted in ClinVar's aggregate classification.
Comment: This variant is classified as likely benign based on ACMG/AMP sequence variant interpretation guidelines (Richards et al. 2015 PMID: 25741868, with internal and published modifications).

NM_173660.5(DOK7):c.1480G>A (p.Val494Ile)

Gene: DOK7 (docking protein 7; plus strand). Cytogenetic location: 4p16.3.
Variant type: single nucleotide variant.
Coding change: c.1480G>A on transcript NM_173660.5 (MANE Select); coding-DNA position 1480, G replaced by A.
Protein change: p.Val494Ile; replaces valine 494 with isoleucine.
Molecular consequence: missense variant. On other transcripts: 3 prime UTR variant (1).
Genome position (GRCh38, 1-based): chr4:3,493,466, G>A. VCF-style: chr4-3493466-G-A. GRCh37 (hg19) VCF-style: chr4-3495193-G-A.
Other names: p.Val494Ile; c.*701G>A (NM_001164673.2); c.550G>A, p.Val184Ile (NM_001256896.2); c.1480G>A, p.Val494Ile (NM_001301071.2); c.1048G>A, p.Val350Ile (NM_001363811.2); short protein forms V494I, V350I, V184I.
Identifiers: ClinVar variation 704035 (VCV000704035.23), dbSNP rs202073484, ClinGen allele CA2829544.